The following is an entry in ClinVar:

ClinVar aggregate classification (germline): Pathogenic/Likely pathogenic. Review status: criteria provided, multiple submitters, no conflicts (2 of 4 stars). 2 submissions from 2 submitters: Pathogenic (1); Likely pathogenic (1). Last evaluated 2024-11-25.

Conditions:
Cardiac, facial, and digital anomalies with developmental delay. Identifiers: Orphanet 592570, MedGen C4748484, MONDO:0032572, OMIM 618164.

Submissions (2):

GeneDx
Classification: Pathogenic. Last evaluated: 2024-11-25. Review status: criteria provided, single submitter. Criteria: GeneDx Variant Classification Process June 2021. Collection method: clinical testing. Allele origin: germline. Affected: yes.
Comment: Not observed at significant frequency in large population cohorts (gnomAD); In silico analysis indicates that this missense variant does not alter protein structure/function; This variant is associated with the following publications: (PMID: 35982159, 33057194, 33461977, 38569228)

Daryl Scott Lab, Baylor College of Medicine
Classification: Likely pathogenic for Cardiac, facial, and digital anomalies with developmental delay. Last evaluated: 2020-11-11. Review status: criteria provided, single submitter. Criteria: ACMG Guidelines, 2015. Collection method: clinical testing. Allele origin: de novo. Observed: 1 variant allele.

Literature cited by the submitters: PubMed 33461977 (cited by Daryl Scott Lab, Baylor College of Medicine).

NM_032271.3(TRAF7):c.1886G>A (p.Ser629Asn)

Gene: TRAF7 (TNF receptor associated factor 7; plus strand). Cytogenetic location: 16p13.3.
Variant type: single nucleotide variant.
Coding change: c.1886G>A on transcript NM_032271.3 (MANE Select); coding-DNA position 1886, G replaced by A.
Protein change: p.Ser629Asn; replaces serine 629 with asparagine.
Molecular consequence: missense variant.
Genome position (GRCh38, 1-based): chr16:2,176,272, G>A. VCF-style: chr16-2176272-G-A. GRCh37 (hg19) VCF-style: chr16-2226273-G-A.
Other names: c.1886G>A (NM_032271.2); short protein forms S629N.
Identifiers: ClinVar variation 987902 (VCV000987902.2), dbSNP rs2093135960, ClinGen allele CA394335907.